The following is an entry in ClinVar:

NM_006912.6(RIT1):c.229G>T (p.Ala77Ser)

Gene: RIT1 (Ras like without CAAX 1; minus strand). Cytogenetic location: 1q22.
Variant type: single nucleotide variant.
Coding change: c.229G>T on transcript NM_006912.6 (MANE Select); coding-DNA position 229, G replaced by T.
Protein change: p.Ala77Ser; replaces alanine 77 with serine.
Molecular consequence: missense variant.
Genome position (GRCh38, 1-based): chr1:155,904,739, C>A on the plus strand (G>T on the coding strand, the complement: RIT1 is on the minus strand). VCF-style: chr1-155904739-C-A. GRCh37 (hg19) VCF-style: chr1-155874530-C-A.
Other names: c.229G>T, p.Ala77Ser (LRG_1372t1); c.121G>T, p.Ala41Ser (NM_001256820.2); c.280G>T, p.Ala94Ser (NM_001256821.2); short protein forms A77S, A41S, A94S.
Identifiers: ClinVar variation 561621 (VCV000561621.12), dbSNP rs869025191, ClinGen allele CA342803125.

ClinVar aggregate classification (germline): Pathogenic/Likely pathogenic. Review status: criteria provided, multiple submitters, no conflicts (2 of 4 stars). 7 submissions from 7 submitters: Pathogenic (5); Likely pathogenic (1). 1 of the submissions does not count toward it. Last evaluated 2026-07-03.

Conditions:
RIT1-related disorder. Also called: RIT1-related condition.
Noonan syndrome 8 (NS8). Identifiers: Orphanet 648, MedGen C3809233, MONDO:0014143, OMIM 615355.
Noonan syndrome 1 (NS1). Also called: PTPN11-Related Noonan Syndrome; TURNER PHENOTYPE WITH NORMAL KARYOTYPE; FEMALE PSEUDO-TURNER SYNDROME. Identifiers: Orphanet 648, MedGen C4551602, MONDO:0008104, OMIM 163950. Disease mechanism: gain of function.

Submissions (7):

Department of Human Genetics, Hannover Medical School
Classification: Pathogenic for Noonan syndrome 8. Last evaluated: 2026-07-03. Review status: criteria provided, single submitter. Criteria: ACMG Guidelines, 2015. Collection method: clinical testing. Allele origin: germline. Affected: yes.
Comment: PS2_Moderate, PS3_Supporting, PS4_Supporting, PM1, PM2_Supporting, PM5, PP3

Genome-Nilou Lab
Classification: Pathogenic for Noonan syndrome 8. Last evaluated: 2023-04-11. Review status: criteria provided, single submitter. Criteria: ACMG Guidelines, 2015. Collection method: clinical testing. Allele origin: germline. Affected: no.

3billion
Classification: Pathogenic for Noonan syndrome 8. Last evaluated: 2022-03-22. Review status: criteria provided, single submitter. Criteria: ACMG Guidelines, 2015. Collection method: clinical testing. Allele origin: germline. Affected: yes. Observed: 1 heterozygote.
Comment: Same or different nucleotide change resulting in same amino acid change has been previously reported to be associated with RIT1 related disorder (ClinVar ID: VCV000561621, PMID:26714497). Functional studies provide strong evidence of the variant having a damaging effect on the gene or gene product (PMID: 26714497). Different missense change at the same codon have been reported as pathogenic/likely pathogenic with strong evidence (ClinVar ID: VCV000183403, VCV000228289, VCV000850519, PMID:25049390, 26714497). It is not observed in the gnomAD v2.1.1 dataset. In silico tool predictions suggest damaging effect of the variant on gene or gene product (REVEL: 0.809>=0.6, 3CNET: 0.994>=0.75). Missense changes are a common disease-causing mechanism. Therefore, this variant is classified as pathogenic according to the recommendation of ACMG/AMP guideline.

Labcorp Genetics (formerly Invitae), Labcorp
Classification: Pathogenic for Noonan syndrome 8. Last evaluated: 2021-09-17. Review status: criteria provided, single submitter. Criteria: Invitae Variant Classification Sherloc (09022015). Collection method: clinical testing. Allele origin: germline.
Comment: This sequence change replaces alanine with serine at codon 77 of the RIT1 protein (p.Ala77Ser). The alanine residue is highly conserved and there is a moderate physicochemical difference between alanine and serine. This variant is not present in population databases (ExAC no frequency). This missense change has been observed in individuals with clinical features of Noonan syndrome (PMID: 26714497; Invitae). ClinVar contains an entry for this variant (Variation ID: 561621). Advanced modeling of protein sequence and biophysical properties (such as structural, functional, and spatial information, amino acid conservation, physicochemical variation, residue mobility, and thermodynamic stability) performed at Invitae indicates that this missense variant is expected to disrupt RIT1 protein function. This variant disrupts the p.Ala77 amino acid residue in RIT1. Other variant(s) that disrupt this residue have been determined to be pathogenic (PMID: 26714497, 26757980, 27101134, 29402968). This suggests that this residue is clinically significant, and that variants that disrupt this residue are likely to be disease-causing. For these reasons, this variant has been classified as Pathogenic.

GeneDx
Classification: Pathogenic. Last evaluated: 2019-03-13. Review status: criteria provided, single submitter. Criteria: GeneDx Variant Classification Process June 2021. Collection method: clinical testing. Allele origin: germline. Affected: yes.
Comment: Published functional studies demonstrate a damaging effect; A77S confers a gain-of-function by causing significant increase in Elk1 activation in comparison to wild-type (Yaoita et al., 2016); Not observed in large population cohorts (Lek et al., 2016); In silico analysis, which includes protein predictors and evolutionary conservation, supports a deleterious effect; This variant is associated with the following publications: (PMID: 26714497, 27109146, 29734338, 24469055)

Blueprint Genetics
Classification: Likely pathogenic for RIT1-related disorders. Last evaluated: 2018-04-09. Review status: criteria provided, single submitter. Criteria: ACMG Guidelines, 2015. Collection method: clinical testing. Allele origin: germline. Affected: yes. Observed: 1 variant allele.

Molecular Genetics, Centre for Human Genetics
Classification: Pathogenic for Noonan syndrome 1. Review status: no assertion criteria provided. Collection method: clinical testing. Allele origin: de novo. Inheritance: Autosomal dominant inheritance. Affected: yes. Observed: 1 variant allele. Not counted in ClinVar's aggregate classification.

Literature cited by the submitters: PubMed 26714497 (cited by 3billion and Labcorp Genetics (formerly Invitae), Labcorp); PubMed 25049390 (cited by 3billion); PubMed 26757980 (cited by Labcorp Genetics (formerly Invitae), Labcorp); PubMed 27101134 (cited by Labcorp Genetics (formerly Invitae), Labcorp); PubMed 29402968 (cited by Labcorp Genetics (formerly Invitae), Labcorp).